The following is an entry in ClinVar:

ClinVar aggregate classification (germline): Pathogenic. Review status: criteria provided, single submitter (1 of 4 stars). 2 submissions from 2 submitters: Pathogenic (1). 1 of the submissions does not count toward it. Last evaluated 2017-11-15.

Conditions:
Ehlers-Danlos syndrome, type 4 (EDSVASC). Also called: Ehlers-Danlos syndrome vascular type; Ehlers Danlos syndrome, ecchymotic type; Ehlers Danlos syndrome, arterial type; Ehlers Danlos syndrome, Sack-Barabas type; Ehlers-Danlos Syndrome Type IV. Identifiers: Orphanet 286, MedGen C0268338, MONDO:0017314, OMIM 130050.

Submissions (2):

Labcorp Genetics (formerly Invitae), Labcorp
Classification: Pathogenic for Ehlers-Danlos syndrome, type 4. Last evaluated: 2017-11-15. Review status: criteria provided, single submitter. Criteria: Invitae Variant Classification Sherloc (09022015). Collection method: clinical testing. Allele origin: germline.
Comment: Glycine residues within the Gly-Xaa-Yaa repeats of the triple helix domain are required for the structure and stability of fibrillar collagens (PMID: 7695699, 8218237, 19344236). In COL3A1, missense variants at these glycine residues are significantly enriched in individuals with disease (PMID: 24922459, 25758994) compared to the general population (ExAC). Algorithms developed to predict the effect of missense changes on protein structure and function do not agree on the potential impact of this missense change (SIFT: "Deleterious"; PolyPhen-2: "Probably Damaging"; Align-GVGD: "Class C0"). For these reasons, this variant has been classified as Pathogenic. This variant has been reported in individuals affected with Ehlers–Danlos syndrome (PMID: 19248182, 24922459). This variant is also known as p.Gly200Val in the literature. ClinVar contains an entry for this variant (Variation ID: 101113). This variant is not present in population databases (ExAC no frequency). This sequence change replaces glycine with valine at codon 267 of the COL3A1 protein (p.Gly267Val). The glycine residue is highly conserved and there is a moderate physicochemical difference between glycine and valine.

Collagen Diagnostic Laboratory, University of Washington
Classification: Pathogenic for Ehlers-Danlos syndrome, type 4. Review status: no assertion criteria provided. Collection method: clinical testing. Allele origin: germline. Affected: yes. Not counted in ClinVar's aggregate classification.

Literature cited by the submitters: PubMed 7695699 (cited by Labcorp Genetics (formerly Invitae), Labcorp); PubMed 8218237 (cited by Labcorp Genetics (formerly Invitae), Labcorp); PubMed 19344236 (cited by Labcorp Genetics (formerly Invitae), Labcorp); PubMed 24922459 (cited by Labcorp Genetics (formerly Invitae), Labcorp); PubMed 25758994 (cited by Labcorp Genetics (formerly Invitae), Labcorp); PubMed 19248182 (cited by Labcorp Genetics (formerly Invitae), Labcorp); PubMed 10706896 (cited by Collagen Diagnostic Laboratory, University of Washington).

NM_000090.4(COL3A1):c.800G>T (p.Gly267Val)

Gene: COL3A1 (collagen type III alpha 1 chain; plus strand). Cytogenetic location: 2q32.2.
Variant type: single nucleotide variant.
Coding change: c.800G>T on transcript NM_000090.4 (MANE Select); coding-DNA position 800, G replaced by T.
Protein change: p.Gly267Val; replaces glycine 267 with valine.
Molecular consequence: missense variant.
Genome position (GRCh38, 1-based): chr2:188,991,005, G>T. VCF-style: chr2-188991005-G-T. GRCh37 (hg19) VCF-style: chr2-189855731-G-T.
Identifiers: ClinVar variation 101113 (VCV000101113.10), dbSNP rs587779427, ClinGen allele CA007456.